The following is an entry in ClinVar:

NM_001163435.3(TBCK):c.2588T>C (p.Val863Ala)

Gene: TBCK (TBC1 domain containing kinase; minus strand). Cytogenetic location: 4q24.
Variant type: single nucleotide variant.
Coding change: c.2588T>C on transcript NM_001163435.3 (MANE Select); coding-DNA position 2588, T replaced by C.
Protein change: p.Val863Ala; replaces valine 863 with alanine.
Molecular consequence: missense variant.
Genome position (GRCh38, 1-based): chr4:106,046,664, A>G on the plus strand (T>C on the coding strand, the complement: TBCK is on the minus strand). VCF-style: chr4-106046664-A-G. GRCh37 (hg19) VCF-style: chr4-106967821-A-G.
Other names: c.2588T>C, p.Val863Ala (NM_001163436.4); c.2471T>C, p.Val824Ala (NM_001163437.3); c.2072T>C, p.Val691Ala (NM_001290768.2); c.2399T>C, p.Val800Ala (NM_033115.5); c.2588T>C (NM_001163435.1); short protein forms V863A, V800A, V691A, V824A.
Identifiers: ClinVar variation 1470654 (VCV001470654.7), dbSNP rs938810809, ClinGen allele CA103407494.

ClinVar aggregate classification (germline): Uncertain significance. Review status: criteria provided, multiple submitters, no conflicts (2 of 4 stars). 2 submissions from 2 submitters: Uncertain significance (2). Last evaluated 2023-05-23.

Conditions:
Inborn genetic diseases. Identifiers: MedGen C0950123, MeSH D030342.

Allele frequency attached by ClinVar (database versions not stated): gnomAD exomes below 0.00001; gnomAD 0.00001; TOPMed 0.00001.
gnomAD v4.1: 6 of 1,609,326 alleles (0.00037%); highest among the groups gnomAD compares: Non-Finnish European, 0.00051%; no homozygotes.

Submissions (2):

Ambry Genetics
Classification: Uncertain significance for Inborn genetic diseases. Last evaluated: 2023-05-23. Review status: criteria provided, single submitter. Criteria: Ambry Variant Classification Scheme 2023. Collection method: clinical testing. Allele origin: germline.

Labcorp Genetics (formerly Invitae), Labcorp
Classification: Uncertain significance. Last evaluated: 2022-07-19. Review status: criteria provided, single submitter. Criteria: Invitae Variant Classification Sherloc (09022015). Collection method: clinical testing. Allele origin: germline.
Comment: This sequence change replaces valine, which is neutral and non-polar, with alanine, which is neutral and non-polar, at codon 863 of the TBCK protein (p.Val863Ala). This variant is not present in population databases (gnomAD no frequency). This variant has not been reported in the literature in individuals affected with TBCK-related conditions. ClinVar contains an entry for this variant (Variation ID: 1470654). Algorithms developed to predict the effect of missense changes on protein structure and function are either unavailable or do not agree on the potential impact of this missense change (SIFT: "Tolerated"; PolyPhen-2: "Possibly Damaging"; Align-GVGD: "Class C0"). In summary, the available evidence is currently insufficient to determine the role of this variant in disease. Therefore, it has been classified as a Variant of Uncertain Significance.